The following is an entry in ClinVar:

NM_001256789.3(CACNA1F):c.1456_1457insCACAC (p.Arg486fs)

Gene: CACNA1F (calcium voltage-gated channel subunit alpha1 F; minus strand). Cytogenetic location: Xp11.23.
Variant type: Microsatellite.
Coding change: c.1456_1457insCACAC on transcript NM_001256789.3 (MANE Select); coding-DNA positions 1456 to 1457, CACAC inserted.
Protein change: p.Arg486fs; shifts the reading frame from arginine 486.
Molecular consequence: frameshift variant.
Genome position: GRCh38 VCF-style: chrX-49226415-C-CGTGTG. GRCh37 (hg19) VCF-style: chrX-49082877-C-CGTGTG.
Other names: c.1294_1295insCACAC, p.Arg432fs (NM_001256790.3); c.1489_1490insCACAC, p.Arg497fs (NM_005183.4); short protein forms R486fs, R432fs, R497fs.
Identifiers: ClinVar variation 2008055 (VCV002008055.4), dbSNP rs2519125510.

ClinVar aggregate classification (germline): Pathogenic (1 of 4 stars; one submission).

Submission:

Labcorp Genetics (formerly Invitae), Labcorp
Classification: Pathogenic. Last evaluated: 2022-06-18. Review status: criteria provided, single submitter. Criteria: Invitae Variant Classification Sherloc (09022015). Collection method: clinical testing. Allele origin: germline.
Comment: For these reasons, this variant has been classified as Pathogenic. This variant has not been reported in the literature in individuals affected with CACNA1F-related conditions. This variant is not present in population databases (gnomAD no frequency). This sequence change creates a premature translational stop signal (p.Arg497Profs*5) in the CACNA1F gene. It is expected to result in an absent or disrupted protein product. Loss-of-function variants in CACNA1F are known to be pathogenic (PMID: 9662399, 11281458, 17525176, 22194652, 24124559, 26992781).

Literature cited by the submitters: PubMed 9662399; PubMed 11281458; PubMed 17525176; PubMed 22194652; PubMed 24124559; PubMed 26992781.